The following is an entry in ClinVar:

NM_000282.4(PCCA):c.252G>T (p.Lys84Asn)

Gene: PCCA (propionyl-CoA carboxylase subunit alpha; plus strand). Cytogenetic location: 13q32.3.
Variant type: single nucleotide variant.
Coding change: c.252G>T on transcript NM_000282.4 (MANE Select); coding-DNA position 252, G replaced by T.
Protein change: p.Lys84Asn; replaces lysine 84 with asparagine.
Molecular consequence: missense variant. On other transcripts: 5 prime UTR variant (3), non-coding transcript variant (5).
Genome position (GRCh38, 1-based): chr13:100,112,013, G>T. VCF-style: chr13-100112013-G-T. GRCh37 (hg19) VCF-style: chr13-100764267-G-T.
Other names: c.174G>T, p.Lys58Asn (NM_001127692.3, NM_001352607.2, NM_001352608.2); c.252G>T, p.Lys84Asn (NM_001178004.2, NM_001352605.2, NM_001352606.2 and 1 more transcripts); c.-615G>T (NM_001352610.2, NM_001352611.2, NM_001352612.2); short protein forms K84N, K58N.
Identifiers: ClinVar variation 2078693 (VCV002078693.2), dbSNP rs1315838861, ClinGen allele CA388693132.

ClinVar aggregate classification (germline): Uncertain significance (1 of 4 stars; one submission).

Conditions:
Propionic acidemia (PROP). Also called: GLYCINEMIA, KETOTIC; HYPERGLYCINEMIA WITH KETOACIDOSIS AND LEUKOPENIA; KETOTIC HYPERGLYCINEMIA. Identifiers: Orphanet 35, MedGen C0268579, MONDO:0011628, OMIM 606054, HP:0003571.

Allele frequency attached by ClinVar (database versions not stated): TOPMed below 0.00001; gnomAD 0.00001.
gnomAD v4.1: 13 of 1,609,754 alleles (0.00081%); highest among the groups gnomAD compares: Non-Finnish European, 0.001%; no homozygotes.

Submission:

Labcorp Genetics (formerly Invitae), Labcorp
Classification: Uncertain significance for Propionic acidemia. Last evaluated: 2025-11-12. Review status: criteria provided, single submitter. Criteria: Invitae Variant Classification Sherloc (09022015). Collection method: clinical testing. Allele origin: germline.
Comment: This sequence change replaces lysine, which is basic and polar, with asparagine, which is neutral and polar, at codon 84 of the PCCA protein (p.Lys84Asn). This variant is present in population databases (no rsID available, gnomAD 0.0009%). This variant has not been reported in the literature in individuals affected with PCCA-related conditions. ClinVar contains an entry for this variant (Variation ID: 2078693). Invitae Evidence Modeling of protein sequence and biophysical properties (such as structural, functional, and spatial information, amino acid conservation, physicochemical variation, residue mobility, and thermodynamic stability) has been performed for this missense variant. However, the output from this modeling did not meet the statistical confidence thresholds required to predict the impact of this variant on PCCA protein function. Algorithms developed to predict the effect of sequence changes on RNA splicing suggest that this variant may disrupt the consensus splice site. In summary, the available evidence is currently insufficient to determine the role of this variant in disease. Therefore, it has been classified as a Variant of Uncertain Significance.